The following is an entry in ClinVar:

NM_138576.4(BCL11B):c.1240C>G (p.Pro414Ala)

Gene: BCL11B (BCL11 transcription factor B; minus strand). Cytogenetic location: 14q32.2.
Variant type: single nucleotide variant.
Coding change: c.1240C>G on transcript NM_138576.4 (MANE Select); coding-DNA position 1240, C replaced by G.
Protein change: p.Pro414Ala; replaces proline 414 with alanine.
Molecular consequence: missense variant.
Genome position (GRCh38, 1-based): chr14:99,175,596, G>C on the plus strand (C>G on the coding strand, the complement: BCL11B is on the minus strand). VCF-style: chr14-99175596-G-C. GRCh37 (hg19) VCF-style: chr14-99641933-G-C.
Other names: c.1237C>G, p.Pro413Ala (NM_001282237.2); c.1024C>G, p.Pro342Ala (NM_001282238.2); c.1027C>G, p.Pro343Ala (NM_022898.3); short protein forms P414A, P342A, P343A, P413A.
Identifiers: ClinVar variation 4595887 (VCV004595887.1).
Genomic context (GRCh38, chr14:99,175,596, plus strand): 5'-TGCCGCAGAACTCGCACGACTTGCTCTTGGCTGGCGGCTGCGGGGGCGGCGTGCCGCCAG[G>C]GGGCATGGGCGGCAGCGGCGGCGTGCTCAGGAACGGGGACTTGGGGCTGGGCTGGAAGGG-3'
Protein context (NP_612808.1, residues 404-424): LSTPPLPPMP[Pro414Ala]GGTPPPQPPA

ClinVar aggregate classification (germline): Uncertain significance (1 of 4 stars; one submission).

Conditions:
Inborn genetic diseases. Identifiers: MedGen C0950123, MeSH D030342.

gnomAD v4.1: 1 of 1,576,460 alleles (0.000063%); highest among the groups gnomAD compares: Non-Finnish European, 0.000086%; no homozygotes.

Submission:

Ambry Genetics
Classification: Uncertain significance for Inborn genetic diseases. Last evaluated: 2025-11-23. Review status: criteria provided, single submitter. Criteria: Ambry Variant Classification Scheme 2023. Collection method: clinical testing. Allele origin: germline.
Comment: The c.1240C>G (p.P414A) alteration is located in exon 4 (coding exon 4) of the BCL11B gene. This alteration results from a C to G substitution at nucleotide position 1240, causing the proline (P) at amino acid position 414 to be replaced by an alanine (A). Based on data from gnomAD, the G allele has an overall frequency of <0.001% (1/205540) total alleles studied. The highest observed frequency was 0.001% (1/94704) of European (non-Finnish) alleles. Based on insufficient or conflicting evidence, the clinical significance of this alteration remains unclear.